The following is an entry in ClinVar:

NM_013432.5(TONSL):c.2518A>G (p.Met840Val)

Genes: TONSL (tonsoku like, DNA repair protein; minus strand), TONSL-AS1 (TONSL antisense RNA 1; plus strand). Cytogenetic location: 8q24.3.
Variant type: single nucleotide variant.
Coding change: c.2518A>G on transcript NM_013432.5 (MANE Select); coding-DNA position 2518, A replaced by G.
Protein change: p.Met840Val; replaces methionine 840 with valine.
Molecular consequence: missense variant.
Genome position (GRCh38, 1-based): chr8:144,435,915, T>C on the plus strand (A>G on the coding strand, the complement: TONSL is on the minus strand). VCF-style: chr8-144435915-T-C. GRCh37 (hg19) VCF-style: chr8-145661298-T-C.
Other names: short protein forms M840V.
Identifiers: ClinVar variation 1903037 (VCV001903037.5), dbSNP rs917609721, ClinGen allele CA187667245.

ClinVar aggregate classification (germline): Uncertain significance (1 of 4 stars; one submission).

Allele frequency attached by ClinVar (database versions not stated): gnomAD 0.00001; gnomAD exomes 0.00001; TOPMed 0.00002.
gnomAD v4.1: 13 of 1,585,670 alleles (0.00082%); highest among the groups gnomAD compares: Admixed American, 0.0051%; no homozygotes.

Submission:

Labcorp Genetics (formerly Invitae), Labcorp
Classification: Uncertain significance. Last evaluated: 2024-07-23. Review status: criteria provided, single submitter. Criteria: Invitae Variant Classification Sherloc (09022015). Collection method: clinical testing. Allele origin: germline.
Comment: This sequence change replaces methionine, which is neutral and non-polar, with valine, which is neutral and non-polar, at codon 840 of the TONSL protein (p.Met840Val). This variant is present in population databases (no rsID available, gnomAD 0.004%). This variant has not been reported in the literature in individuals affected with TONSL-related conditions. ClinVar contains an entry for this variant (Variation ID: 1903037). Advanced modeling of protein sequence and biophysical properties (such as structural, functional, and spatial information, amino acid conservation, physicochemical variation, residue mobility, and thermodynamic stability) performed at Invitae indicates that this missense variant is not expected to disrupt TONSL protein function with a negative predictive value of 80%. In summary, the available evidence is currently insufficient to determine the role of this variant in disease. Therefore, it has been classified as a Variant of Uncertain Significance.